The following is an entry in ClinVar:

NM_003128.3(SPTBN1):c.2710C>T (p.Arg904Trp)

Gene: SPTBN1 (spectrin beta, non-erythrocytic 1; plus strand). Cytogenetic location: 2p16.2.
Variant type: single nucleotide variant.
Coding change: c.2710C>T on transcript NM_003128.3 (MANE Select); coding-DNA position 2710, C replaced by T.
Protein change: p.Arg904Trp; replaces arginine 904 with tryptophan.
Molecular consequence: missense variant.
Genome position (GRCh38, 1-based): chr2:54,629,932, C>T. VCF-style: chr2-54629932-C-T. GRCh37 (hg19) VCF-style: chr2-54857069-C-T.
Other names: c.2671C>T, p.Arg891Trp (NM_178313.3); short protein forms R891W, R904W.
Identifiers: ClinVar variation 4865083 (VCV004865083.1).

ClinVar aggregate classification (germline): Uncertain significance (1 of 4 stars; one submission).

Conditions:
Inborn genetic diseases. Identifiers: MedGen C0950123, MeSH D030342.

gnomAD v4.1: 5 of 1,613,974 alleles (0.00031%); highest among the groups gnomAD compares: Middle Eastern, 0.016%; no homozygotes.

Submission:

Ambry Genetics
Classification: Uncertain significance for Inborn genetic diseases. Last evaluated: 2026-06-10. Review status: criteria provided, single submitter. Criteria: Ambry Variant Classification Scheme 2023. Collection method: clinical testing. Allele origin: germline.
Comment: The c.2710C>T (p.R904W) alteration is located in exon 15 (coding exon 14) of the SPTBN1 gene. This alteration results from a C to T substitution at nucleotide position 2710, causing the arginine (R) at amino acid position 904 to be replaced by a tryptophan (W). Based on data from gnomAD, the T allele has an overall frequency of <0.001% (1/250548) total alleles studied. The highest observed frequency was 0.001% (1/113088) of European (non-Finnish) alleles. Based on insufficient or conflicting evidence, the clinical significance of this alteration remains unclear.